The following is an entry in ClinVar:

NM_001927.4(DES):c.995C>T (p.Thr332Ile)

Gene: DES (desmin; plus strand). Cytogenetic location: 2q35.
Variant type: single nucleotide variant.
Coding change: c.995C>T on transcript NM_001927.4 (MANE Select); coding-DNA position 995, C replaced by T.
Protein change: p.Thr332Ile; replaces threonine 332 with isoleucine.
Molecular consequence: missense variant.
Genome position (GRCh38, 1-based): chr2:219,420,925, C>T. VCF-style: chr2-219420925-C-T. GRCh37 (hg19) VCF-style: chr2-220285647-C-T.
Other names: c.995C>T (LRG_380t1); short protein forms T332I.
Identifiers: ClinVar variation 575152 (VCV000575152.7), dbSNP rs368453327, ClinGen allele CA2125202.

ClinVar aggregate classification (germline): Uncertain significance. Review status: criteria provided, multiple submitters, no conflicts (2 of 4 stars). 2 submissions from 2 submitters: Uncertain significance (2). Last evaluated 2024-04-05.

Conditions:
Desmin-related myofibrillar myopathy (MFM1). Also called: Desminopathy; MYOFIBRILLAR MYOPATHY WITH ARRHYTHMOGENIC RIGHT VENTRICULAR CARDIOMYOPATHY; DESMIN-RELATED MYOPATHY WITH ARRHYTHMOGENIC RIGHT VENTRICULAR CARDIOMYOPATHY; Desmin related myopathy (former name); Desmin storage myopathy (former name); Myofibrillar myopathy 1. Identifiers: Orphanet 363543, Orphanet 98909, MedGen C1832370, MONDO:0011076, OMIM 601419.
Cardiovascular phenotype. Identifiers: MedGen CN230736.

Allele frequency attached by ClinVar (database versions not stated): TOPMed 0.00002; ESP Exome Variant Server 0.00008.
gnomAD v4.1: 11 of 1,613,608 alleles (0.00068%); highest among the groups gnomAD compares: Non-Finnish European, 0.00093%; no homozygotes.

Submissions (2):

Labcorp Genetics (formerly Invitae), Labcorp
Classification: Uncertain significance for Desmin-related myofibrillar myopathy. Last evaluated: 2024-04-05. Review status: criteria provided, single submitter. Criteria: Invitae Variant Classification Sherloc (09022015). Collection method: clinical testing. Allele origin: germline.
Comment: This sequence change replaces threonine, which is neutral and polar, with isoleucine, which is neutral and non-polar, at codon 332 of the DES protein (p.Thr332Ile). The frequency data for this variant in the population databases is considered unreliable, as metrics indicate poor data quality at this position in the gnomAD database. This variant has not been reported in the literature in individuals affected with DES-related conditions. ClinVar contains an entry for this variant (Variation ID: 575152). Advanced modeling of protein sequence and biophysical properties (such as structural, functional, and spatial information, amino acid conservation, physicochemical variation, residue mobility, and thermodynamic stability) has been performed at Invitae for this missense variant, however the output from this modeling did not meet the statistical confidence thresholds required to predict the impact of this variant on DES protein function. In summary, the available evidence is currently insufficient to determine the role of this variant in disease. Therefore, it has been classified as a Variant of Uncertain Significance.

Ambry Genetics
Classification: Uncertain significance for Cardiovascular phenotype. Last evaluated: 2023-10-17. Review status: criteria provided, single submitter. Criteria: Ambry Variant Classification Scheme 2023. Collection method: clinical testing. Allele origin: germline.
Comment: The p.T332I variant (also known as c.995C>T), located in coding exon 5 of the DES gene, results from a C to T substitution at nucleotide position 995. The threonine at codon 332 is replaced by isoleucine, an amino acid with similar properties. This amino acid position is highly conserved in available vertebrate species. In addition, this alteration is predicted to be deleterious by in silico analysis. Since supporting evidence is limited at this time, the clinical significance of this alteration remains unclear.